The following is an entry in ClinVar:

NM_031272.5(TEX14):c.899dup (p.Tyr300Ter)

Gene: TEX14 (testis expressed 14, intercellular bridge forming factor; minus strand). Cytogenetic location: 17q22.
Variant type: Duplication.
Coding change: c.899dup on transcript NM_031272.5 (MANE Select); coding-DNA position 899, one base duplicated (A; older notation c.899dupA).
Protein change: p.Tyr300Ter; replaces tyrosine 300 with a stop codon.
Molecular consequence: nonsense.
Genome position (GRCh38, 1-based): chr17:58,613,527, T duplicated on the plus strand (A on the coding strand, the reverse complement: TEX14 is on the minus strand). VCF-style (leftmost placement, unchanged base first): chr17-58613526-G-GT. GRCh37 (hg19) VCF-style: chr17-56690887-G-GT.
Other names: c.917dup, p.Tyr306Ter (NM_001201457.2); c.899dup, p.Tyr300Ter (NM_198393.4); c.899dupA (NM_031272.5); short protein forms Y300*, Y306*.
Identifiers: ClinVar variation 4845706 (VCV004845706.1).
Genomic context (GRCh38, chr17:58,613,526, plus strand): 5'-GTACACAAGGCGGGTTTTCTCTAGGTCCTGGGAGAGACACACAGCCATCAACTGTAGCAA[G>GT]TAGGGGTGCCGCAGCTTGCTGCAAAAGAAAAGAAGCTTCAGATAAGGCAGGTGAGAGGAG-3'

ClinVar aggregate classification (germline): Likely pathogenic (1 of 4 stars; one submission).

Conditions:
Spermatogenic failure 23. Identifiers: MedGen C4540185, MONDO:0054727, OMIM 617707.

Submission:

First Genomix Gene Laboratory, Genetic Diagnostics Department
Classification: Likely pathogenic for Spermatogenic failure 23. Last evaluated: 2025-01-17. Review status: criteria provided, single submitter. Criteria: ACMG Guidelines, 2015. Collection method: clinical testing. Allele origin: germline. Inheritance: Autosomal recessive inheritance. Affected: no. Observed: 1 variant allele.